The following is an entry in ClinVar:

NM_001079866.2(BCS1L):c.1017T>C (p.Pro339=)

Gene: BCS1L (BCS1 ubiquinol-cytochrome c reductase complex chaperone; plus strand). Cytogenetic location: 2q35.
Variant type: single nucleotide variant.
Coding change: c.1017T>C on transcript NM_001079866.2 (MANE Select); coding-DNA position 1017, T replaced by C.
Protein change: p.Pro339=; no amino-acid change (proline 339 retained).
Molecular consequence: synonymous variant. On other transcripts: non-coding transcript variant (1).
Genome position (GRCh38, 1-based): chr2:218,663,143, T>C. VCF-style: chr2-218663143-T-C. GRCh37 (hg19) VCF-style: chr2-219527866-T-C.
Other names: p.P339P:CCT>CCC; c.1017T>C, p.Pro339= (NM_001257342.2, NM_001257343.2, NM_001257344.2 and 10 more transcripts); c.657T>C, p.Pro219= (NM_001318836.2, NM_001371451.1); c.516T>C, p.Pro172= (NM_001371452.1, NM_001371453.1, NM_001371454.1 and 3 more transcripts).
Identifiers: ClinVar variation 136505 (VCV000136505.25), dbSNP rs35843327, ClinGen allele CA289677.

ClinVar aggregate classification (germline): Benign. Review status: criteria provided, multiple submitters, no conflicts (2 of 4 stars). 12 submissions from 8 submitters: Benign (10). 2 of the submissions do not count toward it. Last evaluated 2026-02-04.

Conditions:
GRACILE syndrome (FLNMS). Also called: FELLMAN SYNDROME; FINNISH LETHAL NEONATAL METABOLIC SYNDROME. Identifiers: Orphanet 53693, MedGen C1864002, MONDO:0011308, OMIM 603358.
Pili torti-deafness syndrome (BJS). Also called: Bjornstad syndrome; PILI TORTI AND NERVE DEAFNESS. Identifiers: Orphanet 123, MedGen C0266006, MONDO:0009872, OMIM 262000.
Leigh syndrome (NULS). Also called: Leigh Disease; Subacute necrotizing encephalopathy; Necrotizing encephalopathy infantile subacute of Leigh; Leigh Syndrome (mtDNA deletion); Leigh's syndrome; LEIGH SYNDROME, NUCLEAR. Identifiers: Orphanet 506, MedGen C2931891, MONDO:0009723, OMIM 256000.
Mitochondrial complex III deficiency nuclear type 1. Identifiers: Orphanet 254902, MedGen C3541471, MONDO:0007415, OMIM 124000.

Allele frequency attached by ClinVar (database versions not stated): gnomAD exomes 0.04955 and 0.07173; ExAC 0.07971; gnomAD 0.15354 and 0.15996; ESP Exome Variant Server 0.16577; TOPMed 0.16836; 1000 Genomes Project 0.18331; 1000 Genomes Project 30x 0.18801.
gnomAD v4.1: 96,954 of 1,614,096 alleles (6%); highest among the groups gnomAD compares: African/African-American, 44%; 8,930 homozygotes.

Submissions (12):

Labcorp Genetics (formerly Invitae), Labcorp
Classification: Benign. Last evaluated: 2026-02-04. Review status: criteria provided, single submitter. Criteria: Invitae Variant Classification Sherloc (09022015). Collection method: clinical testing. Allele origin: germline.

Genome-Nilou Lab
Classification: Benign for Pili torti-deafness syndrome. Last evaluated: 2021-06-10. Review status: criteria provided, single submitter. Criteria: ACMG Guidelines, 2015. Collection method: clinical testing. Allele origin: germline. Affected: no.

Genome-Nilou Lab
Classification: Benign for GRACILE syndrome. Last evaluated: 2021-06-10. Review status: criteria provided, single submitter. Criteria: ACMG Guidelines, 2015. Collection method: clinical testing. Allele origin: germline. Affected: no.

Genome-Nilou Lab
Classification: Benign for Mitochondrial complex III deficiency nuclear type 1. Last evaluated: 2021-06-10. Review status: criteria provided, single submitter. Criteria: ACMG Guidelines, 2015. Collection method: clinical testing. Allele origin: germline. Affected: no.

Illumina Laboratory Services, Illumina
Classification: Benign for Mitochondrial complex III deficiency nuclear type 1. Last evaluated: 2018-01-13. Review status: criteria provided, single submitter. Criteria: ICSL Variant Classification Criteria 13 December 2019. Collection method: clinical testing. Allele origin: germline.
Comment: This variant was observed in the ICSL laboratory as part of a predisposition screen in an ostensibly healthy population. It had not been previously curated by ICSL or reported in the Human Gene Mutation Database (HGMD: prior to June 1st, 2018), and was therefore a candidate for classification through an automated scoring system. Utilizing variant allele frequency, disease prevalence and penetrance estimates, and inheritance mode, an automated score was calculated to assess if this variant is too frequent to cause the disease. Based on the score and internal cut-off values, a variant classified as benign is not then subjected to further curation. The score for this variant resulted in a classification of benign for this disease.

Illumina Laboratory Services, Illumina
Classification: Benign for GRACILE syndrome. Last evaluated: 2018-01-13. Review status: criteria provided, single submitter. Criteria: ICSL Variant Classification Criteria 13 December 2019. Collection method: clinical testing. Allele origin: germline.
Comment: the same text as in the submission from Illumina Laboratory Services, Illumina above.

Illumina Laboratory Services, Illumina
Classification: Benign for Leigh syndrome. Last evaluated: 2018-01-13. Review status: criteria provided, single submitter. Criteria: ICSL Variant Classification Criteria 13 December 2019. Collection method: clinical testing. Allele origin: germline.
Comment: the same text as in the submission from Illumina Laboratory Services, Illumina above.

Laboratory for Molecular Medicine, Mass General Brigham Personalized Medicine
Classification: Benign. Last evaluated: 2016-03-21. Review status: criteria provided, single submitter. Criteria: LMM Criteria. Collection method: clinical testing. Allele origin: germline. Observed: 43 variant alleles.
Comment: p.Pro339Pro in exon 9 of BCS1L: This variant is not expected to have clinical si gnificance because it does not alter an amino acid residue, is not located withi n the splice consensus sequence, and has been identified in 50.45% (667/1322) of African chromosomes by the 1000 Genomes Project (Phase 3; dbSNP rs35843327).

GeneDx
Classification: Benign. Last evaluated: 2011-10-18. Review status: criteria provided, single submitter. Criteria: GeneDx Variant Classification (06012015). Collection method: clinical testing. Allele origin: germline. Affected: yes.
Comment: This variant is considered likely benign or benign based on one or more of the following criteria: it is a conservative change, it occurs at a poorly conserved position in the protein, it is predicted to be benign by multiple in silico algorithms, and/or has population frequency not consistent with disease.

Breakthrough Genomics
Classification: Benign. Review status: criteria provided, single submitter. Criteria: ACMG Guidelines, 2015. Collection method: not provided. Allele origin: germline. Inheritance: Autosomal recessive inheritance. Affected: yes.

Natera, Inc.
Classification: Benign for GRACILE syndrome. Last evaluated: 2020-09-16. Review status: no assertion criteria provided. Collection method: clinical testing. Allele origin: germline. Not counted in ClinVar's aggregate classification.

Mayo Clinic Laboratories, Mayo Clinic
Classification: Benign. Last evaluated: 2016-02-22. Review status: no assertion criteria provided. Collection method: clinical testing. Allele origin: unknown. Not counted in ClinVar's aggregate classification.